The following is an entry in ClinVar:

NM_052813.5(CARD9):c.662A>G (p.Glu221Gly)

Gene: CARD9 (caspase recruitment domain family member 9; minus strand). Cytogenetic location: 9q34.3.
Variant type: single nucleotide variant.
Coding change: c.662A>G on transcript NM_052813.5 (MANE Select); coding-DNA position 662, A replaced by G.
Protein change: p.Glu221Gly; replaces glutamic acid 221 with glycine.
Molecular consequence: missense variant.
Genome position (GRCh38, 1-based): chr9:136,370,667, T>C on the plus strand (A>G on the coding strand, the complement: CARD9 is on the minus strand). VCF-style: chr9-136370667-T-C. GRCh37 (hg19) VCF-style: chr9-139265119-T-C.
Other names: c.662A>G, p.Glu221Gly (NM_052814.4); short protein forms E221G.
Identifiers: ClinVar variation 2187951 (VCV002187951.2), dbSNP rs1472007566, ClinGen allele CA375544694.

ClinVar aggregate classification (germline): Uncertain significance. Review status: criteria provided, multiple submitters, no conflicts (2 of 4 stars). 2 submissions from 2 submitters: Uncertain significance (2). Last evaluated 2022-01-03.

Conditions:
Inborn genetic diseases. Identifiers: MedGen C0950123, MeSH D030342.
Predisposition to invasive fungal disease due to CARD9 deficiency (IMD103). Also called: CARD9 IMMUNODEFICIENCY; IMMUNODEFICIENCY 103, SUSCEPTIBILITY TO FUNGAL INFECTIONS; Candidiasis, familial, 2, autosomal recessive. Identifiers: Orphanet 457088, MedGen C1859353, MONDO:0008905, OMIM 212050.

Allele frequency attached by ClinVar (database versions not stated): gnomAD 0.00001; TOPMed 0.00001.
gnomAD v4.1: 1 of 1,612,664 alleles (0.000062%); highest among the groups gnomAD compares: African/African-American, 0.0013%; no homozygotes.

Submissions (2):

Labcorp Genetics (formerly Invitae), Labcorp
Classification: Uncertain significance for Predisposition to invasive fungal disease due to CARD9 deficiency. Last evaluated: 2022-01-03. Review status: criteria provided, single submitter. Criteria: Invitae Variant Classification Sherloc (09022015). Collection method: clinical testing. Allele origin: germline.
Comment: This sequence change replaces glutamic acid, which is acidic and polar, with glycine, which is neutral and non-polar, at codon 221 of the CARD9 protein (p.Glu221Gly). This variant is present in population databases (no rsID available, gnomAD 0.01%). This variant has not been reported in the literature in individuals affected with CARD9-related conditions. Algorithms developed to predict the effect of missense changes on protein structure and function are either unavailable or do not agree on the potential impact of this missense change (SIFT: "Deleterious"; PolyPhen-2: "Probably Damaging"; Align-GVGD: "Class C0"). In summary, the available evidence is currently insufficient to determine the role of this variant in disease. Therefore, it has been classified as a Variant of Uncertain Significance.

Ambry Genetics
Classification: Uncertain significance for Inborn genetic diseases. Last evaluated: 2021-10-05. Review status: criteria provided, single submitter. Criteria: Ambry Variant Classification Scheme 2023. Collection method: clinical testing. Allele origin: germline.